The following is an entry in ClinVar:

NM_007118.4(TRIO):c.6330A>T (p.Leu2110Phe)

Gene: TRIO (trio Rho guanine nucleotide exchange factor; plus strand). Cytogenetic location: 5p15.2.
Variant type: single nucleotide variant.
Coding change: c.6330A>T on transcript NM_007118.4 (MANE Select); coding-DNA position 6330, A replaced by T.
Protein change: p.Leu2110Phe; replaces leucine 2110 with phenylalanine.
Molecular consequence: missense variant. On other transcripts: non-coding transcript variant (1).
Genome position (GRCh38, 1-based): chr5:14,480,005, A>T. VCF-style: chr5-14480005-A-T. GRCh37 (hg19) VCF-style: chr5-14480114-A-T.
Other names: short protein forms L2110F.
Identifiers: ClinVar variation 1703993 (VCV001703993.2), dbSNP rs2477363131, ClinGen allele CA359234675.

ClinVar aggregate classification (germline): Uncertain significance (1 of 4 stars; one submission).

Allele frequency attached by ClinVar (database versions not stated): gnomAD exomes below 0.00001.
gnomAD v4.1: 1 of 1,614,094 alleles (0.000062%); highest among the groups gnomAD compares: Non-Finnish European, 0.000085%; no homozygotes.

Submission:

GeneDx
Classification: Uncertain significance. Last evaluated: 2022-03-01. Review status: criteria provided, single submitter. Criteria: GeneDx Variant Classification Process June 2021. Collection method: clinical testing. Allele origin: germline. Affected: yes.
Comment: Has not been previously published as pathogenic or benign to our knowledge; Not observed at significant frequency in large population cohorts (gnomAD); In silico analysis supports that this missense variant has a deleterious effect on protein structure/function